The following is an entry in ClinVar:

ClinVar aggregate classification (germline): Uncertain significance. Review status: criteria provided, multiple submitters, no conflicts (2 of 4 stars). 2 submissions from 2 submitters: Uncertain significance (2). Last evaluated 2024-04-12.

Conditions:
Hereditary cancer-predisposing syndrome. Also called: Tumor predisposition; Hereditary neoplastic syndrome; Hereditary Cancer Syndrome; Neoplastic Syndromes, Hereditary. Identifiers: Orphanet 140162, MedGen C0027672, MeSH D009386, MONDO:0015356.
Familial adenomatous polyposis 1 (FAP1). Also called: POLYPOSIS, ADENOMATOUS INTESTINAL; FAMILIAL ADENOMATOUS POLYPOSIS 1, ATTENUATED. Identifiers: MedGen C2713442, MONDO:0021056, OMIM 175100. Disease mechanism: loss of function.

Submissions (2):

Ambry Genetics
Classification: Uncertain significance for Hereditary cancer-predisposing syndrome. Last evaluated: 2024-04-12. Review status: criteria provided, single submitter. Criteria: Ambry Variant Classification Scheme 2023. Collection method: clinical testing. Allele origin: germline.
Comment: The p.A1347P variant (also known as c.4039G>C), located in coding exon 15 of the APC gene, results from a G to C substitution at nucleotide position 4039. The alanine at codon 1347 is replaced by proline, an amino acid with highly similar properties. This amino acid position is conserved. In addition, in silico predictors for this gene do not accurately predict pathogenicity. Based on the available evidence, the clinical significance of this variant remains unclear.

Labcorp Genetics (formerly Invitae), Labcorp
Classification: Uncertain significance for Familial adenomatous polyposis 1. Last evaluated: 2023-08-03. Review status: criteria provided, single submitter. Criteria: Invitae Variant Classification Sherloc (09022015). Collection method: clinical testing. Allele origin: germline.
Comment: This sequence change replaces alanine, which is neutral and non-polar, with proline, which is neutral and non-polar, at codon 1347 of the APC protein (p.Ala1347Pro). In summary, the available evidence is currently insufficient to determine the role of this variant in disease. Therefore, it has been classified as a Variant of Uncertain Significance. Advanced modeling of protein sequence and biophysical properties (such as structural, functional, and spatial information, amino acid conservation, physicochemical variation, residue mobility, and thermodynamic stability) performed at Invitae indicates that this missense variant is not expected to disrupt APC protein function. ClinVar contains an entry for this variant (Variation ID: 575800). This variant has not been reported in the literature in individuals affected with APC-related conditions. This variant is not present in population databases (gnomAD no frequency).

NM_000038.6(APC):c.4039G>C (p.Ala1347Pro)

Gene: APC (APC regulator of Wnt signaling pathway; plus strand). Cytogenetic location: 5q22.2.
Variant type: single nucleotide variant.
Coding change: c.4039G>C on transcript NM_000038.6 (MANE Select); coding-DNA position 4039, G replaced by C.
Protein change: p.Ala1347Pro; replaces alanine 1347 with proline.
Molecular consequence: missense variant.
Genome position (GRCh38, 1-based): chr5:112,839,633, G>C. VCF-style: chr5-112839633-G-C. GRCh37 (hg19) VCF-style: chr5-112175330-G-C.
Other names: c.4039G>C, p.Ala1347Pro (NM_001127510.3, NM_001354895.2); c.3985G>C, p.Ala1329Pro (NM_001127511.3); c.4093G>C, p.Ala1365Pro (NM_001354896.2); c.4069G>C, p.Ala1357Pro (NM_001354897.2); c.3964G>C, p.Ala1322Pro (NM_001354898.2); c.3955G>C, p.Ala1319Pro (NM_001354899.2); c.3916G>C, p.Ala1306Pro (NM_001354900.2); c.3862G>C, p.Ala1288Pro (NM_001354901.2); and 5 more; short protein forms A1347P, A1329P, A1256P, A1306P, A1357P, A1064P, A1246P, A1187P.
Identifiers: ClinVar variation 575800 (VCV000575800.9), dbSNP rs1561589368, ClinGen allele CA16030185.
Genomic context (GRCh38, chr5:112,839,633, plus strand): 5'-TCACAGCACCCTAGAACCAAATCCAGCAGACTGCAGGGTTCTAGTTTATCTTCAGAATCA[G>C]CCAGGCACAAAGCTGTTGAATTTTCTTCAGGAGCGAAATCTCCCTCCAAAAGTGGTGCTC-3'
Protein context (NP_000029.2, residues 1337-1357): LQGSSLSSES[Ala1347Pro]RHKAVEFSSG